The following is an entry in ClinVar:

NM_004484.4(GPC3):c.1196T>C (p.Ile399Thr)

Gene: GPC3 (glypican 3; minus strand). Cytogenetic location: Xq26.2.
Variant type: single nucleotide variant.
Coding change: c.1196T>C on transcript NM_004484.4 (MANE Select); coding-DNA position 1196, T replaced by C.
Protein change: p.Ile399Thr; replaces isoleucine 399 with threonine.
Molecular consequence: missense variant.
Genome position (GRCh38, 1-based): chrX:133,692,465, A>G on the plus strand (T>C on the coding strand, the complement: GPC3 is on the minus strand). VCF-style: chrX-133692465-A-G. GRCh37 (hg19) VCF-style: chrX-132826493-A-G.
Other names: c.1265T>C, p.Ile422Thr (NM_001164617.2); c.1148T>C, p.Ile383Thr (NM_001164618.2); c.1034T>C, p.Ile345Thr (NM_001164619.2); short protein forms I422T, I383T, I399T, I345T.
Identifiers: ClinVar variation 2841487 (VCV002841487.3), dbSNP rs2521132585, ClinGen allele CA414705707.

ClinVar aggregate classification (germline): Uncertain significance (1 of 4 stars; one submission).

Conditions:
Wilms tumor 1 (WT1). Also called: Wilms tumor, somatic. Identifiers: Orphanet 654, MedGen CN033288, MONDO:0008679, OMIM 194070.

Submission:

Labcorp Genetics (formerly Invitae), Labcorp
Classification: Uncertain significance for Wilms tumor 1. Last evaluated: 2023-08-04. Review status: criteria provided, single submitter. Criteria: Invitae Variant Classification Sherloc (09022015). Collection method: clinical testing. Allele origin: germline.
Comment: In summary, the available evidence is currently insufficient to determine the role of this variant in disease. Therefore, it has been classified as a Variant of Uncertain Significance. Advanced modeling of protein sequence and biophysical properties (such as structural, functional, and spatial information, amino acid conservation, physicochemical variation, residue mobility, and thermodynamic stability) performed at Invitae indicates that this missense variant is not expected to disrupt GPC3 protein function. This variant has not been reported in the literature in individuals affected with GPC3-related conditions. This variant is not present in population databases (gnomAD no frequency). This sequence change replaces isoleucine, which is neutral and non-polar, with threonine, which is neutral and polar, at codon 399 of the GPC3 protein (p.Ile399Thr).